The following is an entry in ClinVar:

ClinVar aggregate classification (germline): Likely benign (0 of 4 stars; one submission).

Conditions:
ADGRL2-related disorder. Also called: ADGRL2-related condition.

Allele frequency attached by ClinVar (database versions not stated): gnomAD 0.00013; TOPMed 0.00015.
gnomAD v4.1: 337 of 1,611,578 alleles (0.021%); highest among the groups gnomAD compares: Non-Finnish European, 0.026%; no homozygotes.

Submission:

PreventionGenetics, part of Exact Sciences
Classification: Likely benign for ADGRL2-related condition. Last evaluated: 2019-05-24. Review status: no assertion criteria provided. Collection method: clinical testing. Allele origin: germline.
Comment: This variant is classified as likely benign based on ACMG/AMP sequence variant interpretation guidelines (Richards et al. 2015 PMID: 25741868, with internal and published modifications).

NM_001366006.2(ADGRL2):c.321T>A (p.Thr107=)

Gene: ADGRL2 (adhesion G protein-coupled receptor L2; plus strand). Cytogenetic location: 1p31.1.
Variant type: single nucleotide variant.
Coding change: c.321T>A on transcript NM_001366006.2 (MANE Select); coding-DNA position 321, T replaced by A.
Protein change: p.Thr107=; no amino-acid change (threonine 107 retained).
Molecular consequence: synonymous variant. On other transcripts: non-coding transcript variant (1).
Genome position (GRCh38, 1-based): chr1:81,936,761, T>A. VCF-style: chr1-81936761-T-A. GRCh37 (hg19) VCF-style: chr1-82402445-T-A.
Other names: c.321T>A, p.Thr107= (NM_001297704.3, NM_001297705.3, NM_001297706.3 and 17 more transcripts).
Identifiers: ClinVar variation 3039606 (VCV003039606.2), dbSNP rs774334338, ClinGen allele CA922221.